The following is an entry in ClinVar:

ClinVar aggregate classification (germline): Uncertain significance (1 of 4 stars; one submission).

Conditions:
COG5-congenital disorder of glycosylation. Also called: COG5-CDG; CDG IIi; CONGENITAL DISORDER OF GLYCOSYLATION, TYPE IIi. Identifiers: Orphanet 263487, MedGen C3150876, MONDO:0013325, OMIM 613612.

Submission:

Labcorp Genetics (formerly Invitae), Labcorp
Classification: Uncertain significance for COG5-congenital disorder of glycosylation. Last evaluated: 2022-03-10. Review status: criteria provided, single submitter. Criteria: Invitae Variant Classification Sherloc (09022015). Collection method: clinical testing. Allele origin: germline.
Comment: Experimental studies and prediction algorithms are not available or were not evaluated, and the functional significance of this variant is currently unknown. This variant, c.65_67del, results in the deletion of 1 amino acid(s) of the COG5 protein (p.Ala22del), but otherwise preserves the integrity of the reading frame. This variant is not present in population databases (gnomAD no frequency). This variant has not been reported in the literature in individuals affected with COG5-related conditions. In summary, the available evidence is currently insufficient to determine the role of this variant in disease. Therefore, it has been classified as a Variant of Uncertain Significance.

NC_000007.14:g.107563923CAG[2]

Gene: COG5 (component of oligomeric golgi complex 5; minus strand). Cytogenetic location: 7q22.3.
Variant type: Microsatellite.
Genome position: GRCh38 VCF-style: chr7-107563922-TCAG-T. GRCh37 (hg19) VCF-style: chr7-107204367-TCAG-T.
Identifiers: ClinVar variation 1926021 (VCV001926021.4), dbSNP rs2535728522, ClinGen allele CA2580617070.